The following is an entry in ClinVar:

ClinVar aggregate classification (germline): Likely benign (0 of 4 stars; one submission).

Conditions:
SPTBN4-related disorder. Also called: SPTBN4-related condition.

Allele frequency attached by ClinVar (database versions not stated): gnomAD exomes below 0.00001; ExAC 0.00001; TOPMed 0.00005; ESP Exome Variant Server 0.00015; gnomAD 0.00008.
gnomAD v4.1: 18 of 1,613,334 alleles (0.0011%); highest among the groups gnomAD compares: African/African-American, 0.02%; no homozygotes.

Submission:

PreventionGenetics, part of Exact Sciences
Classification: Likely benign for SPTBN4-related condition. Last evaluated: 2019-08-14. Review status: no assertion criteria provided. Collection method: clinical testing. Allele origin: germline.
Comment: This variant is classified as likely benign based on ACMG/AMP sequence variant interpretation guidelines (Richards et al. 2015 PMID: 25741868, with internal and published modifications).

NM_020971.3(SPTBN4):c.1008A>G (p.Lys336=)

Gene: SPTBN4 (spectrin beta, non-erythrocytic 4; plus strand). Cytogenetic location: 19q13.2.
Variant type: single nucleotide variant.
Coding change: c.1008A>G on transcript NM_020971.3 (MANE Select); coding-DNA position 1008, A replaced by G.
Protein change: p.Lys336=; no amino-acid change (lysine 336 retained).
Molecular consequence: synonymous variant.
Genome position (GRCh38, 1-based): chr19:40,502,238, A>G. VCF-style: chr19-40502238-A-G. GRCh37 (hg19) VCF-style: chr19-41008145-A-G.
Identifiers: ClinVar variation 3053045 (VCV003053045.2), dbSNP rs148551169, ClinGen allele CA9445500.